The following is an entry in ClinVar:

ClinVar aggregate classification (germline): Pathogenic. Review status: criteria provided, multiple submitters, no conflicts (2 of 4 stars). 3 submissions from 3 submitters: Pathogenic (2). 1 of the submissions does not count toward it. Last evaluated 2023-12-16.

Conditions:
Gastrointestinal stromal tumor. Also called: Gastrointestinal stromal tumor, somatic; Gastrointestinal stroma tumor. Identifiers: Orphanet 44890, MedGen C0238198, MeSH D046152, MONDO:0011719, OMIM 606764, HP:0100723.
Pheochromocytoma. Also called: MAX-Related Hereditary Paraganglioma-Pheochromocytoma Syndrome. Identifiers: Orphanet 29072, MedGen C0031511, MONDO:0008233, OMIM 171300, HP:0002666.
Pheochromocytoma/paraganglioma syndrome 4. Also called: Paragangliomas 4; PARAGANGLIOMA, FAMILIAL MALIGNANT; PARAGANGLIOMAS, HEREDITARY EXTRAADRENAL; PHEOCHROMOCYTOMA, FAMILIAL EXTRAADRENAL; SDHB-Related Hereditary Paraganglioma-Pheochromocytoma Syndrome; CAROTID BODY TUMORS AND MULTIPLE EXTRAADRENAL PHEOCHROMOCYTOMAS. Identifiers: Orphanet 29072, MedGen C1861848, MONDO:0007273, OMIM 115310.
Hereditary pheochromocytoma and paraganglioma. Also called: Hereditary Paraganglioma-Pheochromocytoma Syndromes; Hereditary paragangliomas and pheochromocytomas; Hereditary pheochromocytoma-paraganglioma. Identifiers: Orphanet 29072, MedGen C4274332, MONDO:0017366.
Hereditary cancer-predisposing syndrome. Also called: Tumor predisposition; Neoplastic Syndromes, Hereditary; Hereditary Cancer Syndrome; Hereditary neoplastic syndrome. Identifiers: Orphanet 140162, MedGen C0027672, MeSH D009386, MONDO:0015356.

Submissions (3):

Labcorp Genetics (formerly Invitae), Labcorp
Classification: Pathogenic for Gastrointestinal stromal tumor; Pheochromocytoma/paraganglioma syndrome 4; Pheochromocytoma. Last evaluated: 2023-12-16. Review status: criteria provided, single submitter. Criteria: Invitae Variant Classification Sherloc (09022015). Collection method: clinical testing. Allele origin: germline.
Comment: This sequence change creates a premature translational stop signal (p.Leu9*) in the SDHB gene. It is expected to result in an absent or disrupted protein product. Loss-of-function variants in SDHB are known to be pathogenic (PMID: 19454582, 19802898). This variant is not present in population databases (gnomAD no frequency). This premature translational stop signal has been observed in individual(s) with Paraganglioma-pheochromocytoma syndrome (PMID: 28374168). ClinVar contains an entry for this variant (Variation ID: 187527). For these reasons, this variant has been classified as Pathogenic.

Ambry Genetics
Classification: Pathogenic for Hereditary cancer-predisposing syndrome. Last evaluated: 2023-05-22. Review status: criteria provided, single submitter. Criteria: Ambry Variant Classification Scheme 2023. Collection method: clinical testing. Allele origin: germline.
Comment: The p.L9* pathogenic mutation (also known as c.26T>A), located in coding exon 1 of the SDHB gene, results from a T to A substitution at nucleotide position 26. This changes the amino acid from a leucine to a stop codon within coding exon 1. This mutation has been reported in an individual with metastatic pheochromocytomas and paragangliomas (PPGLs) (Sue et al. Eur. J. Endocrinol. 2014 Nov;86(5):482-486). In addition to the clinical data presented in the literature, this alteration is expected to result in loss of function by premature protein truncation or nonsense-mediated mRNA decay. As such, this alteration is interpreted as a disease-causing mutation.

Section on Medical Neuroendocrinolgy, National Institutes of Health
Classification: Pathogenic for Hereditary pheochromocytoma and paraganglioma. Review status: no assertion criteria provided. Collection method: research. Allele origin: germline. Affected: yes. Not counted in ClinVar's aggregate classification.

Literature cited by the submitters: PubMed 19454582 (cited by Labcorp Genetics (formerly Invitae), Labcorp); PubMed 19802898 (cited by Labcorp Genetics (formerly Invitae), Labcorp); PubMed 28374168 (cited by Labcorp Genetics (formerly Invitae), Labcorp).

NM_003000.3(SDHB):c.26T>A (p.Leu9Ter)

Gene: SDHB (succinate dehydrogenase complex iron sulfur subunit B; minus strand). Cytogenetic location: 1p36.13.
Variant type: single nucleotide variant.
Coding change: c.26T>A on transcript NM_003000.3 (MANE Select); coding-DNA position 26, T replaced by A.
Protein change: p.Leu9Ter; replaces leucine 9 with a stop codon.
Molecular consequence: nonsense.
Genome position (GRCh38, 1-based): chr1:17,053,994, A>T on the plus strand (T>A on the coding strand, the complement: SDHB is on the minus strand). VCF-style: chr1-17053994-A-T. GRCh37 (hg19) VCF-style: chr1-17380489-A-T.
Other names: short protein forms L9*.
Identifiers: ClinVar variation 187527 (VCV000187527.11), dbSNP rs786203800, ClinGen allele CA015664.
Genomic context (GRCh38, chr1:17,053,994, plus strand): 5'-GCTCCAGGACTCACCTGCAGGCAGGCTCCGCCAAGGGTTGTGGCCGGCAACCGGCGCCTC[A>T]AGGAGAGGGCGACCACCGCCGCCATCTTGGCTCCTGACGTCAGCCCCACCCCTTAACCCC-3'